The following is an entry in ClinVar:

ClinVar aggregate classification (germline): Uncertain significance (1 of 4 stars; one submission).

Conditions:
Immunodeficiency, common variable, 7. Identifiers: Orphanet 1572, Orphanet 696894, MedGen C3542922, MONDO:0013862, OMIM 614699.

Submission:

Labcorp Genetics (formerly Invitae), Labcorp
Classification: Uncertain significance for Immunodeficiency, common variable, 7. Last evaluated: 2022-08-06. Review status: criteria provided, single submitter. Criteria: Invitae Variant Classification Sherloc (09022015). Collection method: clinical testing. Allele origin: germline.
Comment: This sequence change replaces valine, which is neutral and non-polar, with alanine, which is neutral and non-polar, at codon 697 of the CR2 protein (p.Val697Ala). This variant is not present in population databases (gnomAD no frequency). This variant has not been reported in the literature in individuals affected with CR2-related conditions. Algorithms developed to predict the effect of missense changes on protein structure and function are either unavailable or do not agree on the potential impact of this missense change (SIFT: "Tolerated"; PolyPhen-2: "Possibly Damaging"; Align-GVGD: "Class C0"). In summary, the available evidence is currently insufficient to determine the role of this variant in disease. Therefore, it has been classified as a Variant of Uncertain Significance.

NM_001006658.3(CR2):c.2090T>C (p.Val697Ala)

Gene: CR2 (complement C3d receptor 2; plus strand). Cytogenetic location: 1q32.2.
Variant type: single nucleotide variant.
Coding change: c.2090T>C on transcript NM_001006658.3 (MANE Select); coding-DNA position 2090, T replaced by C.
Protein change: p.Val697Ala; replaces valine 697 with alanine.
Molecular consequence: missense variant. On other transcripts: intron variant (1).
Genome position (GRCh38, 1-based): chr1:207,473,656, T>C. VCF-style: chr1-207473656-T-C. GRCh37 (hg19) VCF-style: chr1-207647001-T-C.
Other names: c.1979-145T>C (NM_001877.5); short protein forms V697A.
Identifiers: ClinVar variation 1715336 (VCV001715336.5), dbSNP rs2527224079, ClinGen allele CA344536009.